The following is an entry in ClinVar:

NM_000290.4(PGAM2):c.125C>T (p.Ala42Val)

Genes: DBNL (drebrin like; plus strand), PGAM2 (phosphoglycerate mutase 2; minus strand). Cytogenetic location: 7p13.
Variant type: single nucleotide variant.
Coding change: c.125C>T on transcript NM_000290.4 (MANE Select); coding-DNA position 125, C replaced by T.
Protein change: p.Ala42Val; replaces alanine 42 with valine.
Molecular consequence: missense variant. On other transcripts: 3 prime UTR variant (6).
Genome position (GRCh38, 1-based): chr7:44,065,405, G>A on the plus strand (C>T on the coding strand, the complement: PGAM2 is on the minus strand). VCF-style: chr7-44065405-G-A. GRCh37 (hg19) VCF-style: chr7-44105004-G-A.
Other names: c.*4489G>A (NM_001014436.3, NM_001122956.2, NM_001284313.2 and 3 more transcripts); short protein forms A42V.
Identifiers: ClinVar variation 2101468 (VCV002101468.4), dbSNP rs1263012852, ClinGen allele CA367370180.

ClinVar aggregate classification (germline): Uncertain significance (1 of 4 stars; one submission).

Conditions:
Glycogen storage disease type X (GSD10). Also called: PGAMM DEFICIENCY; PHOSPHOGLYCERATE MUTASE, MUSCLE, DEFICIENCY OF; GSD X; MYOPATHY DUE TO PHOSPHOGLYCERATE MUTASE DEFICIENCY; Dimauro disease; Glycogen storage disease due to phosphoglycerate mutase deficiency. Identifiers: Orphanet 97234, MedGen C0268149, MONDO:0009865, OMIM 261670.

Allele frequency attached by ClinVar (database versions not stated): gnomAD exomes below 0.00001; TOPMed below 0.00001; gnomAD 0.00001.
gnomAD v4.1: 3 of 1,613,940 alleles (0.00019%); highest among the groups gnomAD compares: African/African-American, 0.0013%; no homozygotes.

Submission:

Labcorp Genetics (formerly Invitae), Labcorp
Classification: Uncertain significance for Glycogen storage disease type X. Last evaluated: 2022-09-01. Review status: criteria provided, single submitter. Criteria: Invitae Variant Classification Sherloc (09022015). Collection method: clinical testing. Allele origin: germline.
Comment: In summary, the available evidence is currently insufficient to determine the role of this variant in disease. Therefore, it has been classified as a Variant of Uncertain Significance. Algorithms developed to predict the effect of missense changes on protein structure and function are either unavailable or do not agree on the potential impact of this missense change (SIFT: "Deleterious"; PolyPhen-2: "Possibly Damaging"; Align-GVGD: "Class C15"). This variant has not been reported in the literature in individuals affected with PGAM2-related conditions. This variant is present in population databases (no rsID available, gnomAD 0.007%). This sequence change replaces alanine, which is neutral and non-polar, with valine, which is neutral and non-polar, at codon 42 of the PGAM2 protein (p.Ala42Val).